The following is an entry in ClinVar:

NM_000268.4(NF2):c.1708G>A (p.Gly570Ser)

Gene: NF2 (NF2, moesin-ezrin-radixin like (MERLIN) tumor suppressor; plus strand). Cytogenetic location: 22q12.2.
Variant type: single nucleotide variant.
Coding change: c.1708G>A on transcript NM_000268.4 (MANE Select); coding-DNA position 1708, G replaced by A.
Protein change: p.Gly570Ser; replaces glycine 570 with serine.
Molecular consequence: missense variant. On other transcripts: non-coding transcript variant (1), intron variant (1).
Genome position (GRCh38, 1-based): chr22:29,681,572, G>A. VCF-style: chr22-29681572-G-A. GRCh37 (hg19) VCF-style: chr22-30077561-G-A.
Other names: c.1708G>A (NM_000268.3); c.1708G>A, p.Gly570Ser (NM_016418.5, NM_181825.3, NM_181832.3); c.1582G>A, p.Gly528Ser (NM_181828.3); c.1585G>A, p.Gly529Ser (NM_181829.3); c.1459G>A, p.Gly487Ser (NM_181830.3, NM_181831.3); c.448-13180G>A (NM_181833.3); short protein forms G528S, G529S, G570S, G487S.
Identifiers: ClinVar variation 1442646 (VCV001442646.7), dbSNP rs2147123415, ClinGen allele CA411150432.

ClinVar aggregate classification (germline): Uncertain significance. Review status: criteria provided, multiple submitters, no conflicts (2 of 4 stars). 2 submissions from 2 submitters: Uncertain significance (2). Last evaluated 2026-03-09.

Conditions:
Neurofibromatosis, type 2 (SWNV). Also called: BILATERAL ACOUSTIC NEUROFIBROMATOSIS; SCHWANNOMATOSIS, VESTIBULAR; NF2-Related Schwannomatosis. Identifiers: Orphanet 637, MedGen C0027832, MONDO:0007039, OMIM 101000. Disease mechanism: loss of function.
Hereditary cancer-predisposing syndrome. Also called: Hereditary Cancer Syndrome; Neoplastic Syndromes, Hereditary; Hereditary neoplastic syndrome; Tumor predisposition. Identifiers: Orphanet 140162, MedGen C0027672, MeSH D009386, MONDO:0015356.

Submissions (2):

Ambry Genetics
Classification: Uncertain significance for Hereditary cancer-predisposing syndrome. Last evaluated: 2026-03-09. Review status: criteria provided, single submitter. Criteria: Ambry Variant Classification Scheme 2023. Collection method: clinical testing. Allele origin: germline.
Comment: The p.G570S variant (also known as c.1708G>A), located in coding exon 15 of the NF2 gene, results from a G to A substitution at nucleotide position 1708. The glycine at codon 570 is replaced by serine, an amino acid with similar properties. This amino acid position is conserved. In addition, the in silico prediction for this alteration is inconclusive. Based on the available evidence, the clinical significance of this variant remains unclear.

Labcorp Genetics (formerly Invitae), Labcorp
Classification: Uncertain significance for Neurofibromatosis, type 2. Last evaluated: 2025-03-19. Review status: criteria provided, single submitter. Criteria: Invitae Variant Classification Sherloc (09022015). Collection method: clinical testing. Allele origin: germline.
Comment: This sequence change replaces glycine, which is neutral and non-polar, with serine, which is neutral and polar, at codon 570 of the NF2 protein (p.Gly570Ser). This variant is not present in population databases (gnomAD no frequency). This variant has not been reported in the literature in individuals affected with NF2-related conditions. ClinVar contains an entry for this variant (Variation ID: 1442646). Invitae Evidence Modeling of protein sequence and biophysical properties (such as structural, functional, and spatial information, amino acid conservation, physicochemical variation, residue mobility, and thermodynamic stability) indicates that this missense variant is expected to disrupt NF2 protein function with a positive predictive value of 80%. In summary, the available evidence is currently insufficient to determine the role of this variant in disease. Therefore, it has been classified as a Variant of Uncertain Significance.